The following is an entry in ClinVar:

ClinVar aggregate classification (germline): Uncertain significance. Review status: criteria provided, multiple submitters, no conflicts (2 of 4 stars). 4 submissions from 4 submitters: Uncertain significance (4). Last evaluated 2025-06-26.

Conditions:
Hereditary spastic paraplegia 74. Also called: Spastic paraplegia 74, autosomal recessive. Identifiers: Orphanet 468661, MedGen C5568837, MONDO:0014644, OMIM 616451.
Multiple mitochondrial dysfunctions syndrome 3 (MMDS3). Identifiers: Orphanet 363424, MedGen C3809165, MONDO:0014132, OMIM 615330.
Inborn genetic diseases. Identifiers: MedGen C0950123, MeSH D030342.

Allele frequency attached by ClinVar (database versions not stated): gnomAD 0.00001; TOPMed 0.00002.

Submissions (4):

GeneDx
Classification: Uncertain significance. Last evaluated: 2025-06-26. Review status: criteria provided, single submitter. Criteria: GeneDx Variant Classification Process June 2021. Collection method: clinical testing. Allele origin: germline. Affected: yes.
Comment: Not observed at significant frequency in large population cohorts (gnomAD); In silico analysis supports that this missense variant has a deleterious effect on protein structure/function; Has not been previously published as pathogenic or benign to our knowledge

Labcorp Genetics (formerly Invitae), Labcorp
Classification: Uncertain significance for Multiple mitochondrial dysfunctions syndrome 3; Hereditary spastic paraplegia 74. Last evaluated: 2023-06-13. Review status: criteria provided, single submitter. Criteria: Invitae Variant Classification Sherloc (09022015). Collection method: clinical testing. Allele origin: germline.
Comment: In summary, the available evidence is currently insufficient to determine the role of this variant in disease. Therefore, it has been classified as a Variant of Uncertain Significance. Advanced modeling of protein sequence and biophysical properties (such as structural, functional, and spatial information, amino acid conservation, physicochemical variation, residue mobility, and thermodynamic stability) has been performed at Invitae for this missense variant, however the output from this modeling did not meet the statistical confidence thresholds required to predict the impact of this variant on IBA57 protein function. ClinVar contains an entry for this variant (Variation ID: 1034363). This variant has not been reported in the literature in individuals affected with IBA57-related conditions. This variant is not present in population databases (gnomAD no frequency). This sequence change replaces arginine, which is basic and polar, with histidine, which is basic and polar, at codon 276 of the IBA57 protein (p.Arg276His).

Ambry Genetics
Classification: Uncertain significance for Inborn genetic diseases. Last evaluated: 2023-02-15. Review status: criteria provided, single submitter. Criteria: Ambry Variant Classification Scheme 2023. Collection method: clinical testing. Allele origin: germline.

Baylor Genetics
Classification: Uncertain significance for Multiple mitochondrial dysfunctions syndrome 3. Last evaluated: 2018-03-02. Review status: criteria provided, single submitter. Criteria: ACMG Guidelines, 2015. Collection method: clinical testing. Allele origin: paternal. Affected: yes.
Comment: This variant was determined to be of uncertain significance according to ACMG Guidelines, 2015 [PMID:25741868].

NM_001010867.4(IBA57):c.827G>A (p.Arg276His)

Gene: IBA57 (iron-sulfur cluster assembly factor IBA57; plus strand). Cytogenetic location: 1q42.13.
Variant type: single nucleotide variant.
Coding change: c.827G>A on transcript NM_001010867.4 (MANE Select); coding-DNA position 827, G replaced by A.
Protein change: p.Arg276His; replaces arginine 276 with histidine.
Molecular consequence: missense variant.
Genome position (GRCh38, 1-based): chr1:228,175,269, G>A. VCF-style: chr1-228175269-G-A. GRCh37 (hg19) VCF-style: chr1-228362970-G-A.
Other names: c.248G>A, p.Arg83His (NM_001310327.2); short protein forms R83H, R276H.
Identifiers: ClinVar variation 1034363 (VCV001034363.10), dbSNP rs1245306816, ClinGen allele CA345115725.